The following is an entry in ClinVar:

NM_000038.6(APC):c.8015G>A (p.Gly2672Glu)

Gene: APC (APC regulator of Wnt signaling pathway; plus strand). Cytogenetic location: 5q22.2.
Variant type: single nucleotide variant.
Coding change: c.8015G>A on transcript NM_000038.6 (MANE Select); coding-DNA position 8015, G replaced by A.
Protein change: p.Gly2672Glu; replaces glycine 2672 with glutamic acid.
Molecular consequence: missense variant.
Genome position (GRCh38, 1-based): chr5:112,843,609, G>A. VCF-style: chr5-112843609-G-A. GRCh37 (hg19) VCF-style: chr5-112179306-G-A.
Other names: c.8015G>A, p.Gly2672Glu (NM_001127510.3, NM_001354895.2); c.7961G>A, p.Gly2654Glu (NM_001127511.3); c.8069G>A, p.Gly2690Glu (NM_001354896.2); c.8045G>A, p.Gly2682Glu (NM_001354897.2); c.7940G>A, p.Gly2647Glu (NM_001354898.2); c.7931G>A, p.Gly2644Glu (NM_001354899.2); c.7892G>A, p.Gly2631Glu (NM_001354900.2); c.7838G>A, p.Gly2613Glu (NM_001354901.2); and 5 more; short protein forms G2571E, G2631E, G2690E, G2389E, G2546E, G2613E, G2672E, G2512E.
Identifiers: ClinVar variation 927394 (VCV000927394.16), dbSNP rs761802169, ClinGen allele CA049647.

ClinVar aggregate classification (germline): Uncertain significance. Review status: criteria provided, multiple submitters, no conflicts (2 of 4 stars). 3 submissions from 3 submitters: Uncertain significance (3). Last evaluated 2024-03-06.

Conditions:
Hereditary cancer-predisposing syndrome. Also called: Neoplastic Syndromes, Hereditary; Hereditary Cancer Syndrome; Tumor predisposition; Hereditary neoplastic syndrome. Identifiers: Orphanet 140162, MedGen C0027672, MeSH D009386, MONDO:0015356.
Familial adenomatous polyposis 1 (FAP1). Also called: FAMILIAL ADENOMATOUS POLYPOSIS 1, ATTENUATED; POLYPOSIS, ADENOMATOUS INTESTINAL. Identifiers: MedGen C2713442, MONDO:0021056, OMIM 175100. Disease mechanism: loss of function.

Allele frequency attached by ClinVar (database versions not stated): gnomAD exomes below 0.00001; ExAC 0.00001.
gnomAD v4.1: 6 of 1,613,838 alleles (0.00037%); highest among the groups gnomAD compares: South Asian, 0.0066%; no homozygotes.

Submissions (3):

Color Diagnostics, LLC DBA Color Health
Classification: Uncertain significance for Hereditary cancer-predisposing syndrome. Last evaluated: 2024-03-06. Review status: criteria provided, single submitter. Criteria: ACMG Guidelines, 2015. Collection method: clinical testing. Allele origin: germline.
Comment: This missense variant replaces glycine with glutamic acid at codon 2672 of the APC protein. Computational prediction tool is inconclusive regarding the impact of this variant on protein structure and function (internally defined REVEL score threshold 0.5 < inconclusive < 0.7, PMID: 27666373). Splice site prediction tools suggest that this variant may not impact RNA splicing. To our knowledge, functional studies have not been performed for this variant. This variant has not been reported in individuals affected with hereditary cancer in the literature. This variant has been identified in 1/251208 chromosomes in the general population by the Genome Aggregation Database (gnomAD). The available evidence is insufficient to determine the role of this variant in disease conclusively. Therefore, this variant is classified as a Variant of Uncertain Significance.

Ambry Genetics
Classification: Uncertain significance for Hereditary cancer-predisposing syndrome. Last evaluated: 2024-01-20. Review status: criteria provided, single submitter. Criteria: Ambry Variant Classification Scheme 2023. Collection method: clinical testing. Allele origin: germline.
Comment: The p.G2672E variant (also known as c.8015G>A), located in coding exon 15 of the APC gene, results from a G to A substitution at nucleotide position 8015. The glycine at codon 2672 is replaced by glutamic acid, an amino acid with similar properties. This amino acid position is conserved. In addition, in silico predictors for this gene do not accurately predict pathogenicity. Based on the available evidence, the clinical significance of this alteration remains unclear.

Labcorp Genetics (formerly Invitae), Labcorp
Classification: Uncertain significance for Familial adenomatous polyposis 1. Last evaluated: 2022-11-01. Review status: criteria provided, single submitter. Criteria: Invitae Variant Classification Sherloc (09022015). Collection method: clinical testing. Allele origin: germline.
Comment: In summary, the available evidence is currently insufficient to determine the role of this variant in disease. Therefore, it has been classified as a Variant of Uncertain Significance. Advanced modeling of protein sequence and biophysical properties (such as structural, functional, and spatial information, amino acid conservation, physicochemical variation, residue mobility, and thermodynamic stability) performed at Invitae indicates that this missense variant is not expected to disrupt APC protein function. ClinVar contains an entry for this variant (Variation ID: 927394). This variant has not been reported in the literature in individuals affected with APC-related conditions. This variant is present in population databases (rs761802169, gnomAD 0.003%). This sequence change replaces glycine, which is neutral and non-polar, with glutamic acid, which is acidic and polar, at codon 2672 of the APC protein (p.Gly2672Glu).